The following is an entry in ClinVar:

NM_017841.4(SDHAF2):c.129C>T (p.Ser43=)

Gene: SDHAF2 (succinate dehydrogenase complex assembly factor 2; plus strand). Cytogenetic location: 11q12.2.
Variant type: single nucleotide variant.
Coding change: c.129C>T on transcript NM_017841.4 (MANE Select); coding-DNA position 129, C replaced by T.
Protein change: p.Ser43=; no amino-acid change (serine 43 retained).
Molecular consequence: synonymous variant.
Genome position (GRCh38, 1-based): chr11:61,437,717, C>T. VCF-style: chr11-61437717-C-T. GRCh37 (hg19) VCF-style: chr11-61205189-C-T.
Identifiers: ClinVar variation 2625582 (VCV002625582.4), dbSNP rs2134892268, ClinGen allele CA474802813.

ClinVar aggregate classification (germline): Likely benign. Review status: criteria provided, multiple submitters, no conflicts (2 of 4 stars). 3 submissions from 3 submitters: Likely benign (3). Last evaluated 2026-07-01.

Conditions:
Hereditary pheochromocytoma and paraganglioma. Also called: Hereditary paragangliomas and pheochromocytomas; Hereditary pheochromocytoma-paraganglioma; Hereditary Paraganglioma-Pheochromocytoma Syndromes. Identifiers: Orphanet 29072, MedGen C4274332, MONDO:0017366.
Hereditary cancer-predisposing syndrome. Also called: Neoplastic Syndromes, Hereditary; Tumor predisposition; Hereditary Cancer Syndrome; Hereditary neoplastic syndrome. Identifiers: Orphanet 140162, MedGen C0027672, MeSH D009386, MONDO:0015356.

Allele frequency attached by ClinVar (database versions not stated): gnomAD exomes below 0.00001.
gnomAD v4.1: 1 of 1,614,156 alleles (0.000062%); highest among the groups gnomAD compares: Non-Finnish European, 0.000085%; no homozygotes.

Submissions (3):

CeGaT Center for Human Genetics Tuebingen
Classification: Likely benign. Last evaluated: 2026-07-01. Review status: criteria provided, single submitter. Criteria: CeGaT Center For Human Genetics Tuebingen Variant Classification Criteria Version 2. Collection method: clinical testing. Allele origin: germline. Affected: yes. Observed: 1 variant allele.
Comment: SDHAF2: BP4, BP7

Ambry Genetics
Classification: Likely benign for Hereditary cancer-predisposing syndrome. Last evaluated: 2023-08-29. Review status: criteria provided, single submitter. Criteria: Ambry Variant Classification Scheme 2023. Collection method: clinical testing. Allele origin: germline.

All of Us Research Program, National Institutes of Health
Classification: Likely benign for Hereditary pheochromocytoma and paraganglioma. Last evaluated: 2023-06-26. Review status: criteria provided, single submitter. Criteria: ACMG Guidelines, 2015. Collection method: clinical testing. Allele origin: germline. Inheritance: Autosomal dominant inheritance. Observed: 1 variant allele, 1 heterozygote.
Comment: This study involves interpretation of variants in research participants for the purpose of population health screening. Participant phenotype was not available at the time of variant classification. Additional details can be found in publication PMID: 35346344, PMCID: PMC8962531